The following is an entry in ClinVar:

ClinVar aggregate classification (germline): Uncertain significance. Review status: criteria provided, multiple submitters, no conflicts (2 of 4 stars). 2 submissions from 2 submitters: Uncertain significance (2). Last evaluated 2025-07-10.

Conditions:
Glycine encephalopathy. Also called: Nonketotic hyperglycinemia; Non-ketotic hyperglycinemia. Identifiers: Orphanet 407, MedGen C0751748, MONDO:0011612, HP:0008288.

Allele frequency attached by ClinVar (database versions not stated): gnomAD 0.00001; gnomAD exomes 0.00001; TOPMed 0.00001.
gnomAD v4.1: 20 of 1,612,900 alleles (0.0012%); highest among the groups gnomAD compares: East Asian, 0.0089%; no homozygotes.

Submissions (2):

GeneDx
Classification: Uncertain significance. Last evaluated: 2025-07-10. Review status: criteria provided, single submitter. Criteria: GeneDx Variant Classification Process June 2021. Collection method: clinical testing. Allele origin: germline. Affected: yes.
Comment: Not observed at significant frequency in large population cohorts (gnomAD); In silico analysis suggests that this missense variant does not alter protein structure/function; Has not been previously published as pathogenic or benign to our knowledge

Labcorp Genetics (formerly Invitae), Labcorp
Classification: Uncertain significance for Glycine encephalopathy. Last evaluated: 2022-07-05. Review status: criteria provided, single submitter. Criteria: Invitae Variant Classification Sherloc (09022015). Collection method: clinical testing. Allele origin: germline.
Comment: This sequence change replaces threonine, which is neutral and polar, with methionine, which is neutral and non-polar, at codon 277 of the GLDC protein (p.Thr277Met). This variant is present in population databases (no rsID available, gnomAD 0.003%). This variant has not been reported in the literature in individuals affected with GLDC-related conditions. Advanced modeling of protein sequence and biophysical properties (such as structural, functional, and spatial information, amino acid conservation, physicochemical variation, residue mobility, and thermodynamic stability) performed at Invitae indicates that this missense variant is not expected to disrupt GLDC protein function. In summary, the available evidence is currently insufficient to determine the role of this variant in disease. Therefore, it has been classified as a Variant of Uncertain Significance.

NM_000170.3(GLDC):c.830C>T (p.Thr277Met)

Gene: GLDC (glycine decarboxylase; minus strand). Cytogenetic location: 9p24.1.
Variant type: single nucleotide variant.
Coding change: c.830C>T on transcript NM_000170.3 (MANE Select); coding-DNA position 830, C replaced by T.
Protein change: p.Thr277Met; replaces threonine 277 with methionine.
Molecular consequence: missense variant.
Genome position (GRCh38, 1-based): chr9:6,605,162, G>A on the plus strand (C>T on the coding strand, the complement: GLDC is on the minus strand). VCF-style: chr9-6605162-G-A. GRCh37 (hg19) VCF-style: chr9-6605162-G-A.
Other names: short protein forms T277M.
Identifiers: ClinVar variation 2197320 (VCV002197320.3), dbSNP rs1009395229, ClinGen allele CA188684608.